The following is an entry in ClinVar:

ClinVar aggregate classification (germline): Likely benign. Review status: criteria provided, single submitter (1 of 4 stars). 2 submissions from 2 submitters: Likely benign (1). 1 of the submissions does not count toward it. Last evaluated 2023-03-17.

Conditions:
KIF7-related disorder. Also called: KIF7-related condition.
Acrocallosal syndrome (ACLS). Also called: HALLUX DUPLICATION, POSTAXIAL POLYDACTYLY, AND ABSENCE OF CORPUS CALLOSUM; Schinzel syndrome 1; Absence of corpus callosum with unusual facial appearance, mental deficiency, duplication of the halluces and polydactyly. Identifiers: Orphanet 36, MedGen C0796147, MONDO:0008708, OMIM 200990.

Allele frequency attached by ClinVar (database versions not stated): gnomAD 0.00001 and 0.00003; gnomAD exomes 0.00001; ExAC 0.00002; TOPMed 0.00003; 1000 Genomes Project 0.00020; 1000 Genomes Project 30x 0.00031.

Submissions (2):

Labcorp Genetics (formerly Invitae), Labcorp
Classification: Likely benign for Acrocallosal syndrome. Last evaluated: 2023-03-17. Review status: criteria provided, single submitter. Criteria: Invitae Variant Classification Sherloc (09022015). Collection method: clinical testing. Allele origin: germline.

PreventionGenetics, part of Exact Sciences
Classification: Likely benign for KIF7-related condition. Last evaluated: 2019-07-02. Review status: no assertion criteria provided. Collection method: clinical testing. Allele origin: germline. Not counted in ClinVar's aggregate classification.
Comment: This variant is classified as likely benign based on ACMG/AMP sequence variant interpretation guidelines (Richards et al. 2015 PMID: 25741868, with internal and published modifications).

NM_198525.3(KIF7):c.3810C>T (p.His1270=)

Gene: KIF7 (kinesin family member 7; minus strand). Cytogenetic location: 15q26.1.
Variant type: single nucleotide variant.
Coding change: c.3810C>T on transcript NM_198525.3 (MANE Select); coding-DNA position 3810, C replaced by T.
Protein change: p.His1270=; no amino-acid change (histidine 1270 retained).
Molecular consequence: synonymous variant.
Genome position (GRCh38, 1-based): chr15:89,628,641, G>A on the plus strand (C>T on the coding strand, the complement: KIF7 is on the minus strand). VCF-style: chr15-89628641-G-A. GRCh37 (hg19) VCF-style: chr15-90171872-G-A.
Identifiers: ClinVar variation 779450 (VCV000779450.10), dbSNP rs202197486, ClinGen allele CA7727520.